The following is an entry in ClinVar:

NM_153240.5(NPHP3):c.146C>T (p.Ala49Val)

Genes: NPHP3-ACAD11 (NPHP3-ACAD11 readthrough (NMD candidate); minus strand), NPHP3-AS1 (NPHP3 antisense RNA 1; plus strand), NPHP3 (nephrocystin 3; minus strand), LOC129937586 (ATAC-STARR-seq lymphoblastoid silent region 14743; plus strand). Cytogenetic location: 3q22.1.
Variant type: single nucleotide variant.
Coding change: c.146C>T on transcript NM_153240.5 (MANE Select); coding-DNA position 146, C replaced by T.
Protein change: p.Ala49Val; replaces alanine 49 with valine.
Molecular consequence: missense variant. On other transcripts: non-coding transcript variant (3).
Genome position (GRCh38, 1-based): chr3:132,722,210, G>A on the plus strand (C>T on the coding strand, the complement: NPHP3 is on the minus strand). VCF-style: chr3-132722210-G-A. GRCh37 (hg19) VCF-style: chr3-132441054-G-A.
Other names: short protein forms A49V.
Identifiers: ClinVar variation 858100 (VCV000858100.9), dbSNP rs763420553, ClinGen allele CA2622704.

ClinVar aggregate classification (germline): Uncertain significance. Review status: criteria provided, multiple submitters, no conflicts (2 of 4 stars). 2 submissions from 2 submitters: Uncertain significance (2). Last evaluated 2024-07-22.

Conditions:
Nephronophthisis. Also called: Juvenile Nephronophthisis. Identifiers: Orphanet 655, MedGen C0687120, MONDO:0019005, HP:0000090.
NPHP3-related Meckel-like syndrome. Also called: GOLDSTON SYNDROME; Meckel syndrome type 7. Identifiers: Orphanet 3032, MedGen C2673885, MONDO:0009966, OMIM 267010.
Nephronophthisis 3 (NPHP3). Also called: Adolescent nephronophthisis. Identifiers: Orphanet 655, MedGen C1858392, MONDO:0011456, OMIM 604387.
Renal-hepatic-pancreatic dysplasia 1 (RHPD1). Identifiers: MedGen C3715199, MONDO:0008833, OMIM 208540.

Allele frequency attached by ClinVar (database versions not stated): ExAC below 0.00001; gnomAD 0.00001; TOPMed 0.00001.
gnomAD v4.1: 3 of 1,520,862 alleles (0.0002%); highest among the groups gnomAD compares: Admixed American, 0.0041%; no homozygotes.

Submissions (2):

Labcorp Genetics (formerly Invitae), Labcorp
Classification: Uncertain significance for Nephronophthisis. Last evaluated: 2024-07-22. Review status: criteria provided, single submitter. Criteria: Invitae Variant Classification Sherloc (09022015). Collection method: clinical testing. Allele origin: germline.
Comment: This sequence change replaces alanine, which is neutral and non-polar, with valine, which is neutral and non-polar, at codon 49 of the NPHP3 protein (p.Ala49Val). The frequency data for this variant in the population databases is considered unreliable, as metrics indicate poor data quality at this position in the gnomAD database. This variant has not been reported in the literature in individuals affected with NPHP3-related conditions. ClinVar contains an entry for this variant (Variation ID: 858100). An algorithm developed to predict the effect of missense changes on protein structure and function (PolyPhen-2) suggests that this variant is likely to be tolerated. In summary, the available evidence is currently insufficient to determine the role of this variant in disease. Therefore, it has been classified as a Variant of Uncertain Significance.

Fulgent Genetics
Classification: Uncertain significance for Renal-hepatic-pancreatic dysplasia 1; NPHP3-related Meckel-like syndrome; Nephronophthisis 3. Last evaluated: 2022-03-17. Review status: criteria provided, single submitter. Criteria: ACMG Guidelines, 2015. Collection method: clinical testing. Allele origin: unknown.